The following is an entry in ClinVar:

NM_001142800.2(EYS):c.2227G>A (p.Glu743Lys)

Gene: EYS (eyes shut homolog; minus strand). Cytogenetic location: 6q12.
Variant type: single nucleotide variant.
Coding change: c.2227G>A on transcript NM_001142800.2 (MANE Select); coding-DNA position 2227, G replaced by A.
Protein change: p.Glu743Lys; replaces glutamic acid 743 with lysine.
Molecular consequence: missense variant.
Genome position (GRCh38, 1-based): chr6:64,997,614, C>T on the plus strand (G>A on the coding strand, the complement: EYS is on the minus strand). VCF-style: chr6-64997614-C-T. GRCh37 (hg19) VCF-style: chr6-65707507-C-T.
Other names: c.2227G>A, p.Glu743Lys (NM_001292009.2); short protein forms E743K.
Identifiers: ClinVar variation 1421394 (VCV001421394.4), dbSNP rs757689268, ClinGen allele CA3877307.
Genomic context (GRCh38, chr6:64,997,614, plus strand): 5'-GGTATATAAAAAGCCAGTGGATACTAACGAGATGCAGGTCTTTGCAGGTAGAATTGTGCT[C>T]ACAGGCATTCAGGATGCAGTCATCAATGTCCTGTTCACATCTTATCCCAACATAGCCTGG-3'
Protein context (NP_001136272.1, residues 733-753): DIDDCILNAC[Glu743Lys]HNSTCKDLHL

ClinVar aggregate classification (germline): Uncertain significance (1 of 4 stars; one submission).

Allele frequency attached by ClinVar (database versions not stated): ExAC 0.00004.
gnomAD v4.1: 7 of 1,551,130 alleles (0.00045%); highest among the groups gnomAD compares: African/African-American, 0.0082%; no homozygotes.

Submission:

Labcorp Genetics (formerly Invitae), Labcorp
Classification: Uncertain significance. Last evaluated: 2024-10-26. Review status: criteria provided, single submitter. Criteria: Invitae Variant Classification Sherloc (09022015). Collection method: clinical testing. Allele origin: germline.
Comment: This sequence change replaces glutamic acid, which is acidic and polar, with lysine, which is basic and polar, at codon 743 of the EYS protein (p.Glu743Lys). This variant is present in population databases (rs757689268, gnomAD 0.01%). This variant has not been reported in the literature in individuals affected with EYS-related conditions. ClinVar contains an entry for this variant (Variation ID: 1421394). An algorithm developed to predict the effect of missense changes on protein structure and function outputs the following: PolyPhen-2: "Possibly Damaging". The lysine amino acid residue is found in multiple mammalian species, which suggests that this missense change does not adversely affect protein function. Algorithms developed to predict the effect of sequence changes on RNA splicing suggest that this variant may create or strengthen a splice site. In summary, the available evidence is currently insufficient to determine the role of this variant in disease. Therefore, it has been classified as a Variant of Uncertain Significance.